The following is an entry in ClinVar:

NM_020812.4(DOCK6):c.1386+6C>T

Gene: DOCK6 (dedicator of cytokinesis 6; minus strand). Cytogenetic location: 19p13.2.
Variant type: single nucleotide variant.
Coding change: c.1386+6C>T on transcript NM_020812.4 (MANE Select); 6 bases into the intron after coding-DNA position 1386, C replaced by T.
Molecular consequence: intron variant.
Genome position (GRCh38, 1-based): chr19:11,243,252, G>A on the plus strand (C>T on the coding strand, the complement: DOCK6 is on the minus strand). VCF-style: chr19-11243252-G-A. GRCh37 (hg19) VCF-style: chr19-11353928-G-A.
Other names: c.1386+6C>T (NM_001367830.1).
Identifiers: ClinVar variation 2020968 (VCV002020968.4), dbSNP rs2513155413, ClinGen allele CA2576627664.

ClinVar aggregate classification (germline): Uncertain significance (1 of 4 stars; one submission).

Allele frequency attached by ClinVar (database versions not stated): gnomAD exomes below 0.00001.
gnomAD v4.1: 1 of 1,612,716 alleles (0.000062%); highest among the groups gnomAD compares: African/African-American, 0.0013%; no homozygotes.

Submission:

Labcorp Genetics (formerly Invitae), Labcorp
Classification: Uncertain significance. Last evaluated: 2022-08-03. Review status: criteria provided, single submitter. Criteria: Invitae Variant Classification Sherloc (09022015). Collection method: clinical testing. Allele origin: germline.
Comment: Variants that disrupt the consensus splice site are a relatively common cause of aberrant splicing (PMID: 17576681, 9536098). Algorithms developed to predict the effect of sequence changes on RNA splicing suggest that this variant is not likely to affect RNA splicing. In summary, the available evidence is currently insufficient to determine the role of this variant in disease. Therefore, it has been classified as a Variant of Uncertain Significance. This variant has not been reported in the literature in individuals affected with DOCK6-related conditions. This sequence change falls in intron 12 of the DOCK6 gene. It does not directly change the encoded amino acid sequence of the DOCK6 protein. It affects a nucleotide within the consensus splice site. This variant is not present in population databases (gnomAD no frequency).

Literature cited by the submitters: PubMed 17576681; PubMed 9536098.